The following is an entry in ClinVar:

ClinVar aggregate classification (germline): Uncertain significance (1 of 4 stars; one submission).

gnomAD v4.1: 4 of 1,614,170 alleles (0.00025%); highest among the groups gnomAD compares: Non-Finnish European, 0.00025%; no homozygotes.

Submission:

Ambry Genetics
Classification: Uncertain significance. Last evaluated: 2025-03-14. Review status: criteria provided, single submitter. Criteria: Ambry Variant Classification Scheme 2023. Collection method: clinical testing. Allele origin: germline.
Comment: The p.E711G variant (also known as c.2132A>G), located in coding exon 1 of the TET2 gene, results from an A to G substitution at nucleotide position 2132. The glutamic acid at codon 711 is replaced by glycine, an amino acid with similar properties. This amino acid position is conserved. In addition, this alteration is predicted to be tolerated by in silico analysis. Based on the available evidence, the clinical significance of this variant remains unclear.

NM_001127208.3(TET2):c.2132A>G (p.Glu711Gly)

Genes: TET2 (tet methylcytosine dioxygenase 2; plus strand), TET2-AS1 (TET2 antisense RNA 1; minus strand). Cytogenetic location: 4q24.
Variant type: single nucleotide variant.
Coding change: c.2132A>G on transcript NM_001127208.3 (MANE Select); coding-DNA position 2132, A replaced by G.
Protein change: p.Glu711Gly; replaces glutamic acid 711 with glycine.
Molecular consequence: missense variant.
Genome position (GRCh38, 1-based): chr4:105,236,074, A>G. VCF-style: chr4-105236074-A-G. GRCh37 (hg19) VCF-style: chr4-106157231-A-G.
Other names: c.2132A>G, p.Glu711Gly (NM_017628.4); short protein forms E711G.
Identifiers: ClinVar variation 3806123 (VCV003806123.1).
Genomic context (GRCh38, chr4:105,236,074, plus strand): 5'-CTGAAAAACTTATGTCCCCAGTGTTGAAACAGCACTTGAATCAACAGGCTTCAGAGACTG[A>G]GCCATTTTCAAACTCACACCTTTTGCAACATAAGCCTCATAAACAGGCAGCACAAACACA-3'
Protein context (NP_001120680.1, residues 701-721): QHLNQQASET[Glu711Gly]PFSNSHLLQH